The following is an entry in ClinVar:

NM_004341.5(CAD):c.5408C>T (p.Pro1803Leu)

Gene: CAD (carbamoyl-phosphate synthetase 2, aspartate transcarbamylase, and dihydroorotase; plus strand). Cytogenetic location: 2p23.3.
Variant type: single nucleotide variant.
Coding change: c.5408C>T on transcript NM_004341.5 (MANE Select); coding-DNA position 5408, C replaced by T.
Protein change: p.Pro1803Leu; replaces proline 1803 with leucine.
Molecular consequence: missense variant.
Genome position (GRCh38, 1-based): chr2:27,239,710, C>T. VCF-style: chr2-27239710-C-T. GRCh37 (hg19) VCF-style: chr2-27462578-C-T.
Other names: c.5219C>T, p.Pro1740Leu (NM_001306079.2); c.5408C>T (NM_004341.3, NM_004341.4); short protein forms P1740L, P1803L.
Identifiers: ClinVar variation 1489865 (VCV001489865.6), dbSNP rs199692135, ClinGen allele CA1573858.

ClinVar aggregate classification (germline): Uncertain significance. Review status: criteria provided, multiple submitters, no conflicts (2 of 4 stars). 3 submissions from 3 submitters: Uncertain significance (2). 1 of the submissions does not count toward it. Last evaluated 2023-05-03.

Conditions:
CAD-related disorder. Also called: CAD-related condition.
Inborn genetic diseases. Identifiers: MedGen C0950123, MeSH D030342.

Allele frequency attached by ClinVar (database versions not stated): ExAC 0.00004; TOPMed 0.00005; gnomAD 0.00006 and 0.00007; gnomAD exomes 0.00007; 1000 Genomes Project 30x 0.00016; 1000 Genomes Project 0.00020.
gnomAD v4.1: 48 of 1,588,628 alleles (0.003%); highest among the groups gnomAD compares: East Asian, 0.078%; no homozygotes.

Submissions (3):

Ambry Genetics
Classification: Uncertain significance for Inborn genetic diseases. Last evaluated: 2023-05-03. Review status: criteria provided, single submitter. Criteria: Ambry Variant Classification Scheme 2023. Collection method: clinical testing. Allele origin: germline.

Labcorp Genetics (formerly Invitae), Labcorp
Classification: Uncertain significance. Last evaluated: 2022-09-07. Review status: criteria provided, single submitter. Criteria: Invitae Variant Classification Sherloc (09022015). Collection method: clinical testing. Allele origin: germline.
Comment: This sequence change replaces proline, which is neutral and non-polar, with leucine, which is neutral and non-polar, at codon 1803 of the CAD protein (p.Pro1803Leu). This variant is present in population databases (rs199692135, gnomAD 0.09%). This variant has not been reported in the literature in individuals affected with CAD-related conditions. ClinVar contains an entry for this variant (Variation ID: 1489865). Algorithms developed to predict the effect of missense changes on protein structure and function are either unavailable or do not agree on the potential impact of this missense change (SIFT: "Tolerated"; PolyPhen-2: "Possibly Damaging"; Align-GVGD: "Class C0"). In summary, the available evidence is currently insufficient to determine the role of this variant in disease. Therefore, it has been classified as a Variant of Uncertain Significance.

PreventionGenetics, part of Exact Sciences
Classification: Uncertain significance for CAD-related condition. Last evaluated: 2024-07-11. Review status: no assertion criteria provided. Collection method: clinical testing. Allele origin: germline. Not counted in ClinVar's aggregate classification.
Comment: The CAD c.5408C>T variant is predicted to result in the amino acid substitution p.Pro1803Leu. To our knowledge, this variant has not been reported in the literature. This variant is reported in 0.098% of alleles in individuals of East Asian descent in gnomAD. At this time, the clinical significance of this variant is uncertain due to the absence of conclusive functional and genetic evidence.